The following is an entry in ClinVar:

NM_015102.5(NPHP4):c.3011C>T (p.Thr1004Met)

Gene: NPHP4 (nephrocystin 4; minus strand). Cytogenetic location: 1p36.31.
Variant type: single nucleotide variant.
Coding change: c.3011C>T on transcript NM_015102.5 (MANE Select); coding-DNA position 3011, C replaced by T.
Protein change: p.Thr1004Met; replaces threonine 1004 with methionine.
Molecular consequence: missense variant. On other transcripts: non-coding transcript variant (1).
Genome position (GRCh38, 1-based): chr1:5,874,907, G>A on the plus strand (C>T on the coding strand, the complement: NPHP4 is on the minus strand). VCF-style: chr1-5874907-G-A. GRCh37 (hg19) VCF-style: chr1-5934967-G-A.
Other names: c.1472C>T, p.Thr491Met (NM_001291593.2); c.1475C>T, p.Thr492Met (NM_001291594.2); c.3011C>T (NM_015102.3); short protein forms T1004M, T492M, T491M.
Identifiers: ClinVar variation 499590 (VCV000499590.27), dbSNP rs528511138, ClinGen allele CA553847.
Genomic context (GRCh38, chr1:5,874,907, plus strand): 5'-GCAGGACGGGCACCACTGAGACCTCACCTGAGCTCGGGGTTGTCGATCTCCACAGTCACC[G>A]TGTGCTGTGTGTTGTGGGGGTTCTTAAGCACAAACTCAAAGAACTCGGCGACCCCCAGCG-3'
Protein context (NP_055917.1, residues 994-1014): VLKNPHNTQH[Thr1004Met]VTVEIDNPEL

ClinVar aggregate classification (germline): Uncertain significance. Review status: criteria provided, multiple submitters, no conflicts (2 of 4 stars). 9 submissions from 9 submitters: Uncertain significance (6). 3 of the submissions do not count toward it. Last evaluated 2026-10-15.

Conditions:
Inborn genetic diseases. Identifiers: MedGen C0950123, MeSH D030342.
NPHP4-related disorder. Also called: NPHP4-related disorders; NPHP4-related condition. Identifiers: MedGen CN239384.
Nephronophthisis. Also called: Juvenile Nephronophthisis. Identifiers: Orphanet 655, MedGen C0687120, MONDO:0019005, HP:0000090.
Senior-Loken syndrome 4 (SLSN4). Identifiers: Orphanet 3156, MedGen C1846979, MONDO:0011756, OMIM 606996.
Nephronophthisis 4 (NPHP4). Also called: NEPHRONOPHTHISIS 4, JUVENILE. Identifiers: Orphanet 655, MedGen C1847013, MONDO:0011752, OMIM 606966.

Allele frequency attached by ClinVar (database versions not stated): gnomAD exomes 0.00010; gnomAD 0.00011; TOPMed 0.00011; ExAC 0.00007; 1000 Genomes Project 30x 0.00016; 1000 Genomes Project 0.00020.

Submissions (9):

GeneDx
Classification: Uncertain significance. Last evaluated: 2026-10-15. Review status: criteria provided, single submitter. Criteria: GeneDx Variant Classification Process June 2021. Collection method: clinical testing. Allele origin: germline.
Comment: In silico analysis supports that this missense variant has a deleterious effect on protein structure/function; Has not been previously published as pathogenic or benign to our knowledge

Ambry Genetics
Classification: Uncertain significance for Inborn genetic diseases. Last evaluated: 2025-08-03. Review status: criteria provided, single submitter. Criteria: Ambry Variant Classification Scheme 2023. Collection method: clinical testing. Allele origin: germline.

Fulgent Genetics
Classification: Uncertain significance for Nephronophthisis 4; Senior-Loken syndrome 4. Last evaluated: 2024-05-20. Review status: criteria provided, single submitter. Criteria: ACMG Guidelines, 2015. Collection method: clinical testing. Allele origin: germline.

Labcorp Genetics (formerly Invitae), Labcorp
Classification: Uncertain significance for Nephronophthisis. Last evaluated: 2022-10-25. Review status: criteria provided, single submitter. Criteria: Invitae Variant Classification Sherloc (09022015). Collection method: clinical testing. Allele origin: germline.
Comment: This sequence change replaces threonine, which is neutral and polar, with methionine, which is neutral and non-polar, at codon 1004 of the NPHP4 protein (p.Thr1004Met). This variant is present in population databases (rs528511138, gnomAD 0.02%). This variant has not been reported in the literature in individuals affected with NPHP4-related conditions. ClinVar contains an entry for this variant (Variation ID: 499590). Advanced modeling of protein sequence and biophysical properties (such as structural, functional, and spatial information, amino acid conservation, physicochemical variation, residue mobility, and thermodynamic stability) performed at Invitae indicates that this missense variant is expected to disrupt NPHP4 protein function. In summary, the available evidence is currently insufficient to determine the role of this variant in disease. Therefore, it has been classified as a Variant of Uncertain Significance.

Blueprint Genetics
Classification: Uncertain significance. Last evaluated: 2022-09-08. Review status: criteria provided, single submitter. Criteria: ACMG Guidelines, 2015. Collection method: clinical testing. Allele origin: germline.

Eurofins Ntd Llc (ga)
Classification: Uncertain significance. Last evaluated: 2018-08-14. Review status: criteria provided, single submitter. Criteria: EGL ClinVar v180209 classification definitions. Collection method: clinical testing. Allele origin: germline. Observed: 2 variant alleles, 2 heterozygotes.

PreventionGenetics, part of Exact Sciences
Classification: Uncertain significance for NPHP4-related condition. Last evaluated: 2024-03-14. Review status: no assertion criteria provided. Collection method: clinical testing. Allele origin: germline. Not counted in ClinVar's aggregate classification.
Comment: The NPHP4 c.3011C>T variant is predicted to result in the amino acid substitution p.Thr1004Met. To our knowledge, this variant has not been reported in the literature. This variant is reported in 0.017% of alleles in individuals of European (Non-Finnish) descent in gnomAD. At this time, the clinical significance of this variant is uncertain due to the absence of conclusive functional and genetic evidence.

Clinical Genetics DNA and cytogenetics Diagnostics Lab, Erasmus MC, Erasmus Medical Center
Classification: Uncertain significance. Review status: no assertion criteria provided. Collection method: clinical testing. Allele origin: germline. Affected: yes. Study: VKGL Data-share Consensus. Not counted in ClinVar's aggregate classification.

Laboratory of Diagnostic Genome Analysis, Leiden University Medical Center (LUMC)
Classification: Uncertain significance. Review status: no assertion criteria provided. Collection method: clinical testing. Allele origin: germline. Affected: yes. Study: VKGL Data-share Consensus. Not counted in ClinVar's aggregate classification.